The following is an entry in ClinVar:

ClinVar aggregate classification (germline): Uncertain significance (1 of 4 stars; one submission).

Conditions:
Hereditary pancreatitis (PCTT). Also called: Hereditary chronic pancreatitis; PRSS1-Related Hereditary Pancreatitis. Identifiers: Orphanet 676, MedGen C0238339, MONDO:0008185, OMIM 167800.

Submission:

Ambry Genetics
Classification: Uncertain significance for Hereditary pancreatitis. Last evaluated: 2025-07-03. Review status: criteria provided, single submitter. Criteria: Ambry Variant Classification Scheme 2023. Collection method: clinical testing. Allele origin: germline.
Comment: The p.G98V variant (also known as c.293G>T), located in coding exon 4 of the CTRC gene, results from a G to T substitution at nucleotide position 293. The glycine at codon 98 is replaced by valine, an amino acid with dissimilar properties. This amino acid position is conserved. In addition, this alteration is predicted to be tolerated by in silico analysis. Since supporting evidence is limited at this time, the clinical significance of this alteration remains unclear.

NM_007272.3(CTRC):c.293G>T (p.Gly98Val)

Gene: CTRC (chymotrypsin C; plus strand). Cytogenetic location: 1p36.21.
Variant type: single nucleotide variant.
Coding change: c.293G>T on transcript NM_007272.3 (MANE Select); coding-DNA position 293, G replaced by T.
Protein change: p.Gly98Val; replaces glycine 98 with valine.
Molecular consequence: missense variant.
Genome position (GRCh38, 1-based): chr1:15,442,509, G>T. VCF-style: chr1-15442509-G-T. GRCh37 (hg19) VCF-style: chr1-15769005-G-T.
Other names: short protein forms G98V.
Identifiers: ClinVar variation 2449704 (VCV002449704.3), dbSNP rs1708150832, ClinGen allele CA338565463.